The following is an entry in ClinVar:

NM_000925.3(PDHB):c.-49T>C

Gene: PDHB (pyruvate dehydrogenase E1 subunit beta; minus strand). Cytogenetic location: 3p14.3.
Variant type: single nucleotide variant.
Coding change: c.-49T>C on transcript NM_000925.3; 49 bases upstream of the start codon, T replaced by C.
Genome position (GRCh38, 1-based): chr3:58,433,858, A>G on the plus strand (T>C on the coding strand, the complement: PDHB is on the minus strand). VCF-style: chr3-58433858-A-G. GRCh37 (hg19) VCF-style: chr3-58419585-A-G.
Identifiers: ClinVar variation 668481 (VCV000668481.7), dbSNP rs373907802, ClinGen allele CA2471730.

ClinVar aggregate classification (germline): Conflicting classifications of pathogenicity. Review status: criteria provided, conflicting classifications (1 of 4 stars). 2 submissions from 2 submitters: Uncertain significance (1); Likely benign (1). Last evaluated 2018-06-04.

Conditions:
Pyruvate dehydrogenase E1-beta deficiency (PDHBD). Identifiers: Orphanet 255138, Orphanet 765, MedGen C3279841, MONDO:0013580, OMIM 614111.

Allele frequency attached by ClinVar (database versions not stated): 1000 Genomes Project 30x 0.00016; gnomAD exomes 0.00018; 1000 Genomes Project 0.00020; ESP Exome Variant Server 0.00024; gnomAD 0.00011; TOPMed 0.00012; ExAC 0.00031.

Submissions (2):

GeneDx
Classification: Likely benign. Last evaluated: 2018-06-04. Review status: criteria provided, single submitter. Criteria: GeneDx Variant Classification (06012015). Collection method: clinical testing. Allele origin: germline. Affected: yes.
Comment: This variant is considered likely benign or benign based on one or more of the following criteria: it is a conservative change, it occurs at a poorly conserved position in the protein, it is predicted to be benign by multiple in silico algorithms, and/or has population frequency not consistent with disease.

Illumina Laboratory Services, Illumina
Classification: Uncertain significance for Pyruvate dehydrogenase E1-beta deficiency. Last evaluated: 2018-01-13. Review status: criteria provided, single submitter. Criteria: ICSL Variant Classification Criteria 13 December 2019. Collection method: clinical testing. Allele origin: germline.